The following is an entry in ClinVar:

NM_001042492.3(NF1):c.4578G>T (p.Arg1526Ser)

Gene: NF1 (neurofibromin 1; plus strand). Cytogenetic location: 17q11.2.
Variant type: single nucleotide variant.
Coding change: c.4578G>T on transcript NM_001042492.3 (MANE Select); coding-DNA position 4578, G replaced by T.
Protein change: p.Arg1526Ser; replaces arginine 1526 with serine.
Molecular consequence: missense variant.
Genome position (GRCh38, 1-based): chr17:31,261,711, G>T. VCF-style: chr17-31261711-G-T. GRCh37 (hg19) VCF-style: chr17-29588729-G-T.
Other names: c.4515G>T, p.Arg1505Ser (NM_000267.4); short protein forms R1505S, R1526S.
Identifiers: ClinVar variation 1499770 (VCV001499770.9), dbSNP rs1356757316, ClinGen allele CA399000084.

ClinVar aggregate classification (germline): Uncertain significance. Review status: criteria provided, multiple submitters, no conflicts (2 of 4 stars). 2 submissions from 2 submitters: Uncertain significance (2). Last evaluated 2024-01-09.

Conditions:
Neurofibromatosis, type 1 (NF1). Also called: VON RECKLINGHAUSEN DISEASE; NEUROFIBROMATOSIS, TYPE I, SOMATIC; Peripheral type neurofibromatosis; Neurofibromatosis, type I. Identifiers: Orphanet 636, MedGen C0027831, MONDO:0018975, OMIM 162200. Disease mechanism: loss of function.

Submissions (2):

GeneDx
Classification: Uncertain significance. Last evaluated: 2024-01-09. Review status: criteria provided, single submitter. Criteria: GeneDx Variant Classification Process June 2021. Collection method: clinical testing. Allele origin: germline. Affected: yes.
Comment: Not observed at significant frequency in large population cohorts (gnomAD); In silico analysis supports that this missense variant has a deleterious effect on protein structure/function; In silico analysis supports that this variant has a deleterious effect on splicing; Has not been previously published as pathogenic or benign to our knowledge; This variant is associated with the following publications: (PMID: 22807134)

Labcorp Genetics (formerly Invitae), Labcorp
Classification: Uncertain significance for Neurofibromatosis, type 1. Last evaluated: 2021-01-02. Review status: criteria provided, single submitter. Criteria: Invitae Variant Classification Sherloc (09022015). Collection method: clinical testing. Allele origin: germline.
Comment: In summary, the available evidence is currently insufficient to determine the role of this variant in disease. Therefore, it has been classified as a Variant of Uncertain Significance. Algorithms developed to predict the effect of sequence changes on RNA splicing suggest that this variant may disrupt the consensus splice site, but this prediction has not been confirmed by published transcriptional studies. Algorithms developed to predict the effect of missense changes on protein structure and function are either unavailable or do not agree on the potential impact of this missense change (SIFT: "Deleterious"; PolyPhen-2: "Probably Damaging"; Align-GVGD: "Class C0"). This variant has not been reported in the literature in individuals with NF1-related conditions. This variant is not present in population databases (ExAC no frequency). This sequence change replaces arginine with serine at codon 1505 of the NF1 protein (p.Arg1505Ser). The arginine residue is moderately conserved and there is a moderate physicochemical difference between arginine and serine.